The following is an entry in ClinVar:

NM_017636.4(TRPM4):c.479C>G (p.Thr160Arg)

Gene: TRPM4 (transient receptor potential cation channel subfamily M member 4; plus strand). Cytogenetic location: 19q13.33.
Variant type: single nucleotide variant.
Coding change: c.479C>G on transcript NM_017636.4 (MANE Select); coding-DNA position 479, C replaced by G.
Protein change: p.Thr160Arg; replaces threonine 160 with arginine.
Molecular consequence: missense variant. On other transcripts: 5 prime UTR variant (2), intron variant (2).
Genome position (GRCh38, 1-based): chr19:49,168,290, C>G. VCF-style: chr19-49168290-C-G. GRCh37 (hg19) VCF-style: chr19-49671547-C-G.
Other names: c.479C>G, p.Thr160Arg (NM_001195227.2); c.-1075C>G (NM_001321282.2); c.-44C>G (NM_001321283.2); c.268-263C>G (NM_001321281.2); c.-237-263C>G (NM_001321285.2); short protein forms T160R.
Identifiers: ClinVar variation 2109296 (VCV002109296.4), dbSNP rs372477657, ClinGen allele CA406790989.

ClinVar aggregate classification (germline): Uncertain significance (1 of 4 stars; one submission).

Conditions:
Progressive familial heart block type IB (PFHB1B). Identifiers: Orphanet 871, MedGen C1970298, MONDO:0011474, OMIM 604559.

gnomAD v4.1: 1 of 1,614,176 alleles (0.000062%); highest among the groups gnomAD compares: Non-Finnish European, 0.000085%; no homozygotes.

Submission:

Labcorp Genetics (formerly Invitae), Labcorp
Classification: Uncertain significance for Progressive familial heart block type IB. Last evaluated: 2022-03-11. Review status: criteria provided, single submitter. Criteria: Invitae Variant Classification Sherloc (09022015). Collection method: clinical testing. Allele origin: germline.
Comment: In summary, the available evidence is currently insufficient to determine the role of this variant in disease. Therefore, it has been classified as a Variant of Uncertain Significance. This sequence change replaces threonine, which is neutral and polar, with arginine, which is basic and polar, at codon 160 of the TRPM4 protein (p.Thr160Arg). This variant is not present in population databases (gnomAD no frequency). This variant has not been reported in the literature in individuals affected with TRPM4-related conditions. Algorithms developed to predict the effect of missense changes on protein structure and function output the following: SIFT: "Tolerated"; PolyPhen-2: "Benign"; Align-GVGD: "Class C0". The arginine amino acid residue is found in multiple mammalian species, which suggests that this missense change does not adversely affect protein function.